The following is an entry in ClinVar:

ClinVar aggregate classification (germline): Likely benign. Review status: criteria provided, multiple submitters, no conflicts (2 of 4 stars). 2 submissions from 2 submitters: Likely benign (2). Last evaluated 2025-06-12.

Allele frequency attached by ClinVar (database versions not stated): ExAC 0.00003.
gnomAD v4.1: 31 of 1,613,344 alleles (0.0019%); highest among the groups gnomAD compares: Non-Finnish European, 0.0023%; no homozygotes.

Submissions (2):

Labcorp Genetics (formerly Invitae), Labcorp
Classification: Likely benign. Last evaluated: 2025-06-12. Review status: criteria provided, single submitter. Criteria: Invitae Variant Classification Sherloc (09022015). Collection method: clinical testing. Allele origin: germline.

CeGaT Center for Human Genetics Tuebingen
Classification: Likely benign. Last evaluated: 2022-07-01. Review status: criteria provided, single submitter. Criteria: CeGaT Center For Human Genetics Tuebingen Variant Classification Criteria Version 2. Collection method: clinical testing. Allele origin: germline. Affected: yes. Observed: 1 variant allele.
Comment: LAMA5: BP4, BP7

NM_005560.6(LAMA5):c.8439G>A (p.Ala2813=)

Gene: LAMA5 (laminin subunit alpha 5; minus strand). Cytogenetic location: 20q13.33.
Variant type: single nucleotide variant.
Coding change: c.8439G>A on transcript NM_005560.6 (MANE Select); coding-DNA position 8439, G replaced by A.
Protein change: p.Ala2813=; no amino-acid change (alanine 2813 retained).
Molecular consequence: synonymous variant.
Genome position (GRCh38, 1-based): chr20:62,314,369, C>T on the plus strand (G>A on the coding strand, the complement: LAMA5 is on the minus strand). VCF-style: chr20-62314369-C-T. GRCh37 (hg19) VCF-style: chr20-60889425-C-T.
Identifiers: ClinVar variation 2652479 (VCV002652479.27), dbSNP rs748670205, ClinGen allele CA9940715.